The following is an entry in ClinVar:

ClinVar aggregate classification (germline): Likely pathogenic (1 of 4 stars; one submission).

Conditions:
Marfan syndrome (MFS). Also called: MARFAN SYNDROME, TYPE I; Marfan syndrome type 1; Marfan's syndrome; Marfan syndrome, classic; FBN1-Related Marfan Syndrome. Identifiers: Orphanet 284963, Orphanet 558, MedGen C0024796, MONDO:0007947, OMIM 154700.
Familial thoracic aortic aneurysm and aortic dissection (TAAD). Also called: Thoracic aortic aneurysms and dissections. Identifiers: Orphanet 91387, MedGen C4707243, MONDO:0019625.

Submission:

Labcorp Genetics (formerly Invitae), Labcorp
Classification: Likely pathogenic for Marfan syndrome; Familial thoracic aortic aneurysm and aortic dissection. Last evaluated: 2022-08-22. Review status: criteria provided, single submitter. Criteria: Invitae Variant Classification Sherloc (09022015). Collection method: clinical testing. Allele origin: germline.
Comment: In summary, the currently available evidence indicates that the variant is pathogenic, but additional data are needed to prove that conclusively. Therefore, this variant has been classified as Likely Pathogenic. This variant disrupts the p.Asp115 amino acid residue in FBN1. Other variant(s) that disrupt this residue have been determined to be pathogenic (PMID: 8941093, 19002209, 19293843, 20564469). This suggests that this residue is clinically significant, and that variants that disrupt this residue are likely to be disease-causing. RNA analysis performed to evaluate the impact of this missense change on mRNA splicing indicates it does not significantly alter splicing (PMID: 20886638). Algorithms developed to predict the effect of missense changes on protein structure and function are either unavailable or do not agree on the potential impact of this missense change (SIFT: "Deleterious"; PolyPhen-2: "Probably Damaging"; Align-GVGD: "Class C0"). ClinVar contains an entry for this variant (Variation ID: 1480569). This missense change has been observed in individuals with clinical features of Marfan syndrome (PMID: 20886638, 22736615; Invitae). This variant is not present in population databases (gnomAD no frequency). This sequence change replaces aspartic acid, which is acidic and polar, with glycine, which is neutral and non-polar, at codon 1155 of the FBN1 protein (p.Asp1155Gly).

Literature cited by the submitters: PubMed 8941093; PubMed 19002209; PubMed 19293843; PubMed 20564469; PubMed 20886638; PubMed 22736615.

NM_000138.5(FBN1):c.3464A>G (p.Asp1155Gly)

Gene: FBN1 (fibrillin 1; minus strand). Cytogenetic location: 15q21.1.
Variant type: single nucleotide variant.
Coding change: c.3464A>G on transcript NM_000138.5 (MANE Select); coding-DNA position 3464, A replaced by G.
Protein change: p.Asp1155Gly; replaces aspartic acid 1155 with glycine.
Molecular consequence: missense variant.
Genome position (GRCh38, 1-based): chr15:48,487,200, T>C on the plus strand (A>G on the coding strand, the complement: FBN1 is on the minus strand). VCF-style: chr15-48487200-T-C. GRCh37 (hg19) VCF-style: chr15-48779397-T-C.
Other names: short protein forms D1155G.
Identifiers: ClinVar variation 1480569 (VCV001480569.6), dbSNP rs2141293332, ClinGen allele CA392326040.